The following is an entry in ClinVar:

NM_000138.5(FBN1):c.4640C>G (p.Thr1547Arg)

Gene: FBN1 (fibrillin 1; minus strand). Cytogenetic location: 15q21.1.
Variant type: single nucleotide variant.
Coding change: c.4640C>G on transcript NM_000138.5 (MANE Select); coding-DNA position 4640, C replaced by G.
Protein change: p.Thr1547Arg; replaces threonine 1547 with arginine.
Molecular consequence: missense variant.
Genome position (GRCh38, 1-based): chr15:48,468,045, G>C on the plus strand (C>G on the coding strand, the complement: FBN1 is on the minus strand). VCF-style: chr15-48468045-G-C. GRCh37 (hg19) VCF-style: chr15-48760242-G-C.
Other names: short protein forms T1547R.
Identifiers: ClinVar variation 925889 (VCV000925889.6), dbSNP rs183306990, ClinGen allele CA392353069.

ClinVar aggregate classification (germline): Uncertain significance. Review status: criteria provided, multiple submitters, no conflicts (2 of 4 stars). 2 submissions from 2 submitters: Uncertain significance (2). Last evaluated 2024-03-07.

Conditions:
Familial thoracic aortic aneurysm and aortic dissection (TAAD). Also called: Thoracic aortic aneurysms and dissections. Identifiers: Orphanet 91387, MedGen C4707243, MONDO:0019625.
Marfan syndrome (MFS). Also called: Marfan syndrome, classic; Marfan syndrome type 1; Marfan's syndrome; FBN1-Related Marfan Syndrome; MARFAN SYNDROME, TYPE I. Identifiers: Orphanet 284963, Orphanet 558, MedGen C0024796, MONDO:0007947, OMIM 154700.

gnomAD v4.1: 3 of 1,614,156 alleles (0.00019%); highest among the groups gnomAD compares: Non-Finnish European, 0.00025%; no homozygotes.

Submissions (2):

Color Diagnostics, LLC DBA Color Health
Classification: Uncertain significance for Familial thoracic aortic aneurysm and aortic dissection. Last evaluated: 2024-03-07. Review status: criteria provided, single submitter. Criteria: ACMG Guidelines, 2015. Collection method: clinical testing. Allele origin: germline.
Comment: This missense variant replaces threonine with arginine at codon 1547 of the FBN1 protein. Computational prediction suggests that this variant may not impact protein structure and function (internally defined REVEL score threshold <= 0.5, PMID: 27666373). To our knowledge, functional studies have not been reported for this variant. This variant has not been reported in individuals affected with FBN1-related disorders in the literature. This variant has not been identified in the general population by the Genome Aggregation Database (gnomAD). The available evidence is insufficient to determine the role of this variant in disease conclusively. Therefore, this variant is classified as a Variant of Uncertain Significance.

All of Us Research Program, National Institutes of Health
Classification: Uncertain significance for Marfan syndrome. Last evaluated: 2023-10-02. Review status: criteria provided, single submitter. Criteria: ACMG Guidelines, 2015. Collection method: clinical testing. Allele origin: germline. Inheritance: Autosomal dominant inheritance. Observed: 1 variant allele, 1 heterozygote.
Comment: This missense variant replaces threonine with arginine at codon 1547 of the FBN1 protein. Computational prediction suggests that this variant may not impact protein structure and function (internally defined REVEL score threshold <= 0.5, PMID: 27666373). Splice site prediction tools suggest that this variant may not impact RNA splicing. To our knowledge, functional studies have not been reported for this variant. This variant has not been reported in individuals affected with cardiovascular disorders in the literature. This variant has not been identified in the general population by the Genome Aggregation Database (gnomAD). The available evidence is insufficient to determine the role of this variant in disease conclusively. Therefore, this variant is classified as a Variant of Uncertain Significance.

This study involves interpretation of variants in research participants for the purpose of population health screening. Participant phenotype was not available at the time of variant classification. Additional details can be found in publication PMID: 35346344, PMCID: PMC8962531